The following is an entry in ClinVar:

ClinVar aggregate classification (germline): Uncertain significance (1 of 4 stars; one submission).

Conditions:
Hereditary cancer-predisposing syndrome. Also called: Hereditary Cancer Syndrome; Hereditary neoplastic syndrome; Tumor predisposition; Neoplastic Syndromes, Hereditary. Identifiers: Orphanet 140162, MedGen C0027672, MeSH D009386, MONDO:0015356.

gnomAD v4.1: 1 of 1,612,892 alleles (0.000062%); highest among the groups gnomAD compares: Non-Finnish European, 0.000085%; no homozygotes.

Submission:

Ambry Genetics
Classification: Uncertain significance for Hereditary cancer-predisposing syndrome. Last evaluated: 2022-10-11. Review status: criteria provided, single submitter. Criteria: Ambry Variant Classification Scheme 2023. Collection method: clinical testing. Allele origin: germline.
Comment: The p.P78L variant (also known as c.233C>T), located in coding exon 2 of the FANCC gene, results from a C to T substitution at nucleotide position 233. The proline at codon 78 is replaced by leucine, an amino acid with similar properties. This amino acid position is well conserved in available vertebrate species. In addition, the in silico prediction for this alteration is inconclusive. Since supporting evidence is limited at this time, the clinical significance of this alteration remains unclear.

NM_000136.3(FANCC):c.233C>T (p.Pro78Leu)

Gene: FANCC (FA complementation group C; minus strand). Cytogenetic location: 9q22.32.
Variant type: single nucleotide variant.
Coding change: c.233C>T on transcript NM_000136.3 (MANE Select); coding-DNA position 233, C replaced by T.
Protein change: p.Pro78Leu; replaces proline 78 with leucine.
Molecular consequence: missense variant.
Genome position (GRCh38, 1-based): chr9:95,247,449, G>A on the plus strand (C>T on the coding strand, the complement: FANCC is on the minus strand). VCF-style: chr9-95247449-G-A. GRCh37 (hg19) VCF-style: chr9-98009731-G-A.
Other names: c.233C>T, p.Pro78Leu (NM_001243743.2, NM_001243744.2); short protein forms P78L.
Identifiers: ClinVar variation 1789836 (VCV001789836.2), dbSNP rs138722298, ClinGen allele CA374340021.
Genomic context (GRCh38, chr9:95,247,449, plus strand): 5'-GATTAAAATAGCCATTTTGAGAGGACACGTTTTTGATTCTTACCATATGCTAAAATAAAA[G>A]GATTCCAACAAGCTTTTGCCAACAGTTGACCAATTGTGGGGAATCTTTCAATGACTGTAT-3'
Protein context (NP_000127.2, residues 68-88): GQLLAKACWN[Pro78Leu]FILAYDESQK